The following is an entry in ClinVar:

NM_003673.4(TCAP):c.195C>G (p.Pro65=)

Gene: TCAP (titin-cap; plus strand). Cytogenetic location: 17q12.
Variant type: single nucleotide variant.
Coding change: c.195C>G on transcript NM_003673.4 (MANE Select); coding-DNA position 195, C replaced by G.
Protein change: p.Pro65=; no amino-acid change (proline 65 retained).
Molecular consequence: synonymous variant.
Genome position (GRCh38, 1-based): chr17:39,665,800, C>G. VCF-style: chr17-39665800-C-G. GRCh37 (hg19) VCF-style: chr17-37822053-C-G.
Identifiers: ClinVar variation 387609 (VCV000387609.12), dbSNP rs370118201, ClinGen allele CA16608409.
Genomic context (GRCh38, chr17:39,665,800, plus strand): 5'-CCAGAGACATGAGACCTACCACCAGCAGGGGCAGTGCCAGGTGCTGGTGCAGCGCTCGCC[C>G]TGGCTGATGATGCGGATGGGCATCCTCGGCCGTGGGCTGCAGGAGTACCAGCTGCCCTAC-3'
Protein context (NP_003664.1, residues 55-75): GQCQVLVQRS[Pro65=]WLMMRMGILG

ClinVar aggregate classification (germline): Likely benign. Review status: criteria provided, multiple submitters, no conflicts (2 of 4 stars). 4 submissions from 4 submitters: Likely benign (4). Last evaluated 2025-10-29.

Conditions:
Cardiovascular phenotype. Identifiers: MedGen CN230736.
Primary familial hypertrophic cardiomyopathy (HCM). Identifiers: Orphanet 99739, MedGen C0949658, MeSH D024741, MONDO:0024573. Inheritance: Various modes of inheritance.
Hypertrophic cardiomyopathy 25 (CMH25). Also called: CARDIOMYOPATHY, FAMILIAL HYPERTROPHIC, 25. Identifiers: MedGen C4225408, MONDO:0011843, OMIM 607487.

Allele frequency attached by ClinVar (database versions not stated): gnomAD 0.00001; TOPMed 0.00001.

Submissions (4):

Labcorp Genetics (formerly Invitae), Labcorp
Classification: Likely benign for Hypertrophic cardiomyopathy 25; Primary familial hypertrophic cardiomyopathy. Last evaluated: 2025-10-29. Review status: criteria provided, single submitter. Criteria: Invitae Variant Classification Sherloc (09022015). Collection method: clinical testing. Allele origin: germline.

Women's Health and Genetics/Laboratory Corporation of America, LabCorp
Classification: Likely benign. Last evaluated: 2025-07-30. Review status: criteria provided, single submitter. Criteria: LabCorp Variant Classification Summary - May 2015. Collection method: clinical testing. Allele origin: germline.

Ambry Genetics
Classification: Likely benign for Cardiovascular phenotype. Last evaluated: 2023-03-13. Review status: criteria provided, single submitter. Criteria: Ambry Variant Classification Scheme 2023. Collection method: clinical testing. Allele origin: germline.

GeneDx
Classification: Likely benign. Last evaluated: 2016-07-07. Review status: criteria provided, single submitter. Criteria: GeneDx Variant Classification (06012015). Collection method: clinical testing. Allele origin: germline. Affected: yes.
Comment: This variant is considered likely benign or benign based on one or more of the following criteria: it is a conservative change, it occurs at a poorly conserved position in the protein, it is predicted to be benign by multiple in silico algorithms, and/or has population frequency not consistent with disease.